The following is an entry in ClinVar:

NM_006415.4(SPTLC1):c.472A>T (p.Thr158Ser)

Gene: SPTLC1 (serine palmitoyltransferase long chain base subunit 1; minus strand). Cytogenetic location: 9q22.31.
Variant type: single nucleotide variant.
Coding change: c.472A>T on transcript NM_006415.4 (MANE Select); coding-DNA position 472, A replaced by T.
Protein change: p.Thr158Ser; replaces threonine 158 with serine.
Molecular consequence: missense variant.
Genome position (GRCh38, 1-based): chr9:92,068,054, T>A on the plus strand (A>T on the coding strand, the complement: SPTLC1 is on the minus strand). VCF-style: chr9-92068054-T-A. GRCh37 (hg19) VCF-style: chr9-94830336-T-A.
Other names: c.472A>T, p.Thr158Ser (NM_001281303.2); c.106A>T, p.Thr36Ser (NM_001368272.1); c.7A>T, p.Thr3Ser (NM_001368273.1); short protein forms T158S, T3S, T36S.
Identifiers: ClinVar variation 576860 (VCV000576860.12), dbSNP rs779810169, ClinGen allele CA5121533.

ClinVar aggregate classification (germline): Uncertain significance. Review status: criteria provided, multiple submitters, no conflicts (2 of 4 stars). 2 submissions from 2 submitters: Uncertain significance (2). Last evaluated 2023-05-10.

Conditions:
Neuropathy, hereditary sensory and autonomic, type 1A (HSAN1A). Also called: NEUROPATHY, HEREDITARY SENSORY AND AUTONOMIC, TYPE IA; SPTLC1-Related Hereditary Sensory Neuropathy; HSAN IA; HSN IA; NEUROPATHY, HEREDITARY SENSORY RADICULAR, AUTOSOMAL DOMINANT, TYPE 1A. Identifiers: MedGen C5235211, MONDO:0008086, OMIM 162400.
Hereditary sensory and autonomic neuropathy type 1 (HSAN1). Also called: HSAN 1; HSN Type I; Hereditary Sensory Neuropathy Type I. Identifiers: Orphanet 36386, MedGen C0020071, MONDO:0018213.

Allele frequency attached by ClinVar (database versions not stated): ExAC 0.00003.
gnomAD v4.1: 25 of 1,614,104 alleles (0.0015%); highest among the groups gnomAD compares: Middle Eastern, 0.016%; no homozygotes.

Submissions (2):

Labcorp Genetics (formerly Invitae), Labcorp
Classification: Uncertain significance for Hereditary sensory and autonomic neuropathy type 1. Last evaluated: 2023-05-10. Review status: criteria provided, single submitter. Criteria: Invitae Variant Classification Sherloc (09022015). Collection method: clinical testing. Allele origin: germline.
Comment: Advanced modeling of protein sequence and biophysical properties (such as structural, functional, and spatial information, amino acid conservation, physicochemical variation, residue mobility, and thermodynamic stability) performed at Invitae indicates that this missense variant is not expected to disrupt SPTLC1 protein function. ClinVar contains an entry for this variant (Variation ID: 576860). This variant has not been reported in the literature in individuals affected with SPTLC1-related conditions. This variant is present in population databases (rs779810169, gnomAD 0.01%). This sequence change replaces threonine, which is neutral and polar, with serine, which is neutral and polar, at codon 158 of the SPTLC1 protein (p.Thr158Ser). In summary, the available evidence is currently insufficient to determine the role of this variant in disease. Therefore, it has been classified as a Variant of Uncertain Significance.

Fulgent Genetics
Classification: Uncertain significance for Neuropathy, hereditary sensory and autonomic, type 1A. Last evaluated: 2018-10-31. Review status: criteria provided, single submitter. Criteria: ACMG Guidelines, 2015. Collection method: clinical testing. Allele origin: unknown.